The following is an entry in ClinVar:

ClinVar aggregate classification (germline): Uncertain significance (1 of 4 stars; one submission).

Submission:

Labcorp Genetics (formerly Invitae), Labcorp
Classification: Uncertain significance. Last evaluated: 2025-02-24. Review status: criteria provided, single submitter. Criteria: Invitae Variant Classification Sherloc (09022015). Collection method: clinical testing. Allele origin: germline.
Comment: This sequence change replaces proline, which is neutral and non-polar, with leucine, which is neutral and non-polar, at codon 287 of the ARID1A protein (p.Pro287Leu). This variant is not present in population databases (gnomAD no frequency). This variant has not been reported in the literature in individuals affected with ARID1A-related conditions. ClinVar contains an entry for this variant (Variation ID: 2089026). Invitae Evidence Modeling of protein sequence and biophysical properties (such as structural, functional, and spatial information, amino acid conservation, physicochemical variation, residue mobility, and thermodynamic stability) indicates that this missense variant is not expected to disrupt ARID1A protein function with a negative predictive value of 95%. In summary, the available evidence is currently insufficient to determine the role of this variant in disease. Therefore, it has been classified as a Variant of Uncertain Significance.

NM_006015.6(ARID1A):c.860C>T (p.Pro287Leu)

Genes: ARID1A (AT-rich interaction domain 1A; plus strand), LOC129929837 (ATAC-STARR-seq lymphoblastoid silent region 489; plus strand). Cytogenetic location: 1p36.11.
Variant type: single nucleotide variant.
Coding change: c.860C>T on transcript NM_006015.6 (MANE Select); coding-DNA position 860, C replaced by T.
Protein change: p.Pro287Leu; replaces proline 287 with leucine.
Molecular consequence: missense variant.
Genome position (GRCh38, 1-based): chr1:26,697,263, C>T. VCF-style: chr1-26697263-C-T. GRCh37 (hg19) VCF-style: chr1-27023754-C-T.
Other names: c.860C>T, p.Pro287Leu (NM_139135.4); short protein forms P287L.
Identifiers: ClinVar variation 2089026 (VCV002089026.4), dbSNP rs2124743958, ClinGen allele CA339266662.